The following is an entry in ClinVar:

NM_006086.4(TUBB3):c.1197G>A (p.Thr399=)

Gene: TUBB3 (tubulin beta 3 class III; plus strand). Cytogenetic location: 16q24.3.
Variant type: single nucleotide variant.
Coding change: c.1197G>A on transcript NM_006086.4 (MANE Select); coding-DNA position 1197, G replaced by A.
Protein change: p.Thr399=; no amino-acid change (threonine 399 retained).
Molecular consequence: synonymous variant.
Genome position (GRCh38, 1-based): chr16:89,935,648, G>A. VCF-style: chr16-89935648-G-A. GRCh37 (hg19) VCF-style: chr16-90002056-G-A.
Other names: c.981G>A, p.Thr327= (NM_001197181.2).
Identifiers: ClinVar variation 512430 (VCV000512430.34), dbSNP rs371418131, ClinGen allele CA8256218.
Genomic context (GRCh38, chr16:89,935,648, plus strand): 5'-GCGCATCTCCGAGCAGTTCACGGCCATGTTCCGGCGCAAGGCCTTCCTGCACTGGTACAC[G>A]GGCGAGGGCATGGACGAGATGGAGTTCACCGAGGCCGAGAGCAACATGAACGACCTGGTG-3'
Protein context (NP_006077.2, residues 389-409): FRRKAFLHWY[Thr399=]GEGMDEMEFT

ClinVar aggregate classification (germline): Likely benign. Review status: criteria provided, multiple submitters, no conflicts (2 of 4 stars). 3 submissions from 3 submitters: Likely benign (3). Last evaluated 2026-02-01.

Allele frequency attached by ClinVar (database versions not stated): ESP Exome Variant Server 0.00015; TOPMed 0.00018; gnomAD 0.00020 and 0.00021.
gnomAD v4.1: 414 of 1,613,652 alleles (0.026%); highest among the groups gnomAD compares: Non-Finnish European, 0.033%; 1 homozygote.

Submissions (3):

CeGaT Center for Human Genetics Tuebingen
Classification: Likely benign. Last evaluated: 2026-02-01. Review status: criteria provided, single submitter. Criteria: CeGaT Center For Human Genetics Tuebingen Variant Classification Criteria Version 2. Collection method: clinical testing. Allele origin: germline. Affected: yes. Observed: 4 variant alleles.
Comment: TUBB3: BP4, BP7

Labcorp Genetics (formerly Invitae), Labcorp
Classification: Likely benign. Last evaluated: 2025-12-08. Review status: criteria provided, single submitter. Criteria: Invitae Variant Classification Sherloc (09022015). Collection method: clinical testing. Allele origin: germline.

GeneDx
Classification: Likely benign. Last evaluated: 2020-12-02. Review status: criteria provided, single submitter. Criteria: GeneDx Variant Classification Process June 2021. Collection method: clinical testing. Allele origin: germline. Affected: yes.